The following is an entry in ClinVar:

NM_001376013.1(EPB41):c.468+4A>T

Gene: EPB41 (erythrocyte membrane protein band 4.1; plus strand). Cytogenetic location: 1p35.3.
Variant type: single nucleotide variant.
Coding change: c.468+4A>T on transcript NM_001376013.1 (MANE Select); 4 bases into the intron after coding-DNA position 468, A replaced by T.
Molecular consequence: intron variant.
Genome position (GRCh38, 1-based): chr1:28,987,909, A>T. VCF-style: chr1-28987909-A-T. GRCh37 (hg19) VCF-style: chr1-29314421-A-T.
Other names: c.-240+4A>T (NM_203342.3, NM_004437.4); c.468+4A>T (NM_001166005.2, NM_203343.3, NM_001376014.1 and 8 more transcripts); c.-160+4A>T (NM_001376022.1, NM_001166007.2, NM_001376024.1 and 5 more transcripts).
Identifiers: ClinVar variation 2638583 (VCV002638583.24), dbSNP rs2095903823, ClinGen allele CA1161156262.

ClinVar aggregate classification (germline): Uncertain significance (1 of 4 stars; one submission).

Submission:

CeGaT Center for Human Genetics Tuebingen
Classification: Uncertain significance. Last evaluated: 2023-09-01. Review status: criteria provided, single submitter. Criteria: CeGaT Center For Human Genetics Tuebingen Variant Classification Criteria Version 2. Collection method: clinical testing. Allele origin: germline. Affected: yes. Observed: 1 variant allele.
Comment: EPB41: PM2, BP4